The following is an entry in ClinVar:

NM_001278716.2(FBXL4):c.454A>G (p.Ile152Val)

Gene: FBXL4 (F-box and leucine rich repeat protein 4; minus strand). Cytogenetic location: 6q16.2.
Variant type: single nucleotide variant.
Coding change: c.454A>G on transcript NM_001278716.2 (MANE Select); coding-DNA position 454, A replaced by G.
Protein change: p.Ile152Val; replaces isoleucine 152 with valine.
Molecular consequence: missense variant. On other transcripts: non-coding transcript variant (2).
Genome position (GRCh38, 1-based): chr6:98,926,535, T>C on the plus strand (A>G on the coding strand, the complement: FBXL4 is on the minus strand). VCF-style: chr6-98926535-T-C. GRCh37 (hg19) VCF-style: chr6-99374411-T-C.
Other names: c.454A>G, p.Ile152Val (NM_012160.5); short protein forms I152V.
Identifiers: ClinVar variation 437581 (VCV000437581.1), dbSNP rs750476761, ClinGen allele CA3933684.

ClinVar aggregate classification (germline): Uncertain significance (1 of 4 stars; one submission).

Conditions:
Mitochondrial DNA depletion syndrome 13. Also called: FBXL4-Related Encephalomyopathic Mitochondrial DNA Depletion Syndrome; Mitochondrial DNA depletion syndrome 13 (encephalomyopathic type). Identifiers: Orphanet 369897, MedGen C3809592, MONDO:0014198, OMIM 615471.

Allele frequency attached by ClinVar (database versions not stated): gnomAD exomes below 0.00001 and 0.00001; ExAC 0.00001.
gnomAD v4.1: 3 of 1,613,958 alleles (0.00019%); highest among the groups gnomAD compares: South Asian, 0.0033%; no homozygotes.

Submission:

Wong Mito Lab, Molecular and Human Genetics, Baylor College of Medicine
Classification: Uncertain significance for Mitochondrial DNA depletion syndrome 13. Last evaluated: 2017-08-10. Review status: criteria provided, single submitter. Criteria: ACMG Guidelines, 2015. Collection method: reference population. Allele origin: germline.
Comment: The NM_012160.4:c.454A>G (NP_036292.2:p.Ile152Val) [GRCH38: NC_000006.12:g.98926535T>C] variant in FBXL4 gene is interpretated to be a Uncertain Significance - Conflicting Evidence based on ACMG guidelines (PMID: 25741868). This variant meets one or more of the following evidence codes reported in the ACMG-guideline. PM2:This variant is absent in key population databases. BP4:Computational evidence/predictors indicate no impact on the FBXL4 structure, function, or protein-protein interaction. Based on this evidence code ClinGen Pathogenicity Calculator (PMID:28081714) suggested that the variant is Uncertain Significance - Conflicting Evidence.